The following is an entry in ClinVar:

NM_004621.6(TRPC6):c.2121T>C (p.Leu707=)

Gene: TRPC6 (transient receptor potential cation channel subfamily C member 6; minus strand). Cytogenetic location: 11q22.1.
Variant type: single nucleotide variant.
Coding change: c.2121T>C on transcript NM_004621.6 (MANE Select); coding-DNA position 2121, T replaced by C.
Protein change: p.Leu707=; no amino-acid change (leucine 707 retained).
Molecular consequence: synonymous variant.
Genome position (GRCh38, 1-based): chr11:101,472,221, A>G on the plus strand (T>C on the coding strand, the complement: TRPC6 is on the minus strand). VCF-style: chr11-101472221-A-G. GRCh37 (hg19) VCF-style: chr11-101342952-A-G.
Other names: c.1773T>C, p.Leu591= (NM_001439335.1).
Identifiers: ClinVar variation 4992273 (VCV004992273.1).

ClinVar aggregate classification (germline): Likely benign (1 of 4 stars; one submission).

Conditions:
TRPC6-related disorder. Also called: TRPC6-related condition.

gnomAD v4.1: 5 of 1,613,340 alleles (0.00031%); highest among the groups gnomAD compares: Admixed American, 0.0017%; no homozygotes.

Submission:

PreventionGenetics, part of Exact Sciences
Classification: Likely benign for TRPC6-related condition. Last evaluated: 2026-09-18. Review status: criteria provided, single submitter. Criteria: ACMG Guidelines, 2015. Collection method: clinical testing. Allele origin: germline.
Comment: This variant is classified as likely benign based on ACMG/AMP sequence variant interpretation guidelines (Richards et al. 2015 PMID: 25741868, with internal and published modifications).